The following is an entry in ClinVar:

ClinVar aggregate classification (germline): Benign/Likely benign. Review status: criteria provided, multiple submitters, no conflicts (2 of 4 stars). 5 submissions from 5 submitters: Benign (1); Likely benign (3). 1 of the submissions does not count toward it. Last evaluated 2026-01-28.

Conditions:
PNPT1-related disorder. Also called: PNPT1-related disorders; PNPT1-related condition.

Allele frequency attached by ClinVar (database versions not stated): TOPMed 0.00030; ESP Exome Variant Server 0.00046; gnomAD 0.00054; ExAC 0.00076; 1000 Genomes Project 30x 0.00078; 1000 Genomes Project 0.00080.
gnomAD v4.1: 959 of 1,610,670 alleles (0.06%); highest among the groups gnomAD compares: South Asian, 0.31%; 3 homozygotes.

Submissions (6):

Labcorp Genetics (formerly Invitae), Labcorp
Classification: Benign. Last evaluated: 2026-01-28. Review status: criteria provided, single submitter. Criteria: Invitae Variant Classification Sherloc (09022015). Collection method: clinical testing. Allele origin: germline.

Blueprint Genetics
Classification: Likely benign. Last evaluated: 2024-10-24. Review status: criteria provided, single submitter. Criteria: ACMG Guidelines, 2015. Collection method: clinical testing. Allele origin: germline.

GeneDx
Classification: Likely benign. Last evaluated: 2021-05-17. Review status: criteria provided, single submitter. Criteria: GeneDx Variant Classification Process June 2021. Collection method: clinical testing. Allele origin: germline. Affected: yes.

Laboratorio de Genetica e Diagnostico Molecular, Hospital Israelita Albert Einstein
Classification: Likely benign. Last evaluated: 2019-12-15. Review status: criteria provided, single submitter. Criteria: ACMG Guidelines, 2015. Collection method: clinical testing. Allele origin: germline. Affected: yes.
Comment: ACMG classification criteria: BS1, BP6

PreventionGenetics, part of Exact Sciences
Classification: Likely benign for PNPT1-related condition. Last evaluated: 2019-05-23. Review status: no assertion criteria provided. Collection method: clinical testing. Allele origin: germline. Not counted in ClinVar's aggregate classification.
Comment: This variant is classified as likely benign based on ACMG/AMP sequence variant interpretation guidelines (Richards et al. 2015 PMID: 25741868, with internal and published modifications).

Dr. Peter K. Rogan Lab, Western University
No classification provided (evidence only). Condition: Malignant tumor of esophagus. Review status: no classification provided. Collection method: in vitro. Allele origin: not applicable. Functional consequence: retained intron. Not counted in ClinVar's aggregate classification.

NM_033109.5(PNPT1):c.223-9A>T

Gene: PNPT1 (polyribonucleotide nucleotidyltransferase 1; minus strand). Cytogenetic location: 2p16.1.
Variant type: single nucleotide variant.
Coding change: c.223-9A>T on transcript NM_033109.5 (MANE Select); 9 bases into the intron before coding-DNA position 223, A replaced by T.
Molecular consequence: intron variant.
Genome position (GRCh38, 1-based): chr2:55,686,453, T>A on the plus strand (A>T on the coding strand, the complement: PNPT1 is on the minus strand). VCF-style: chr2-55686453-T-A. GRCh37 (hg19) VCF-style: chr2-55913588-T-A.
Identifiers: ClinVar variation 386074 (VCV000386074.17), dbSNP rs202243908, ClinGen allele CA1668573.